The following is an entry in ClinVar:

ClinVar aggregate classification (germline): Likely pathogenic (1 of 4 stars; one submission).

Conditions:
Abetalipoproteinaemia (ABL). Also called: MTP DEFICIENCY; Abetalipoproteinemia; Abetalipoproteinemia neuropathy; Apolipoprotein B deficiency; Congenital betalipoprotein deficiency syndrome. Identifiers: Orphanet 14, MedGen C0000744, MONDO:0008692, OMIM 200100, HP:0008181.

Submission:

Myriad Genetics, Inc.
Classification: Likely pathogenic for Abetalipoproteinaemia. Last evaluated: 2021-12-17. Review status: criteria provided, single submitter. Criteria: Myriad Women's Health Autosomal Recessive and X-Linked Classification Criteria (2021). Collection method: clinical testing. Allele origin: unknown.
Comment: NM_000253.2(MTTP):c.734_742del9ins4(T245Kfs*35) is expected to be pathogenic in the context of abetalipoproteinemia. This variant is predicted to lead to an abnormal or absent protein product due to the creation of a premature termination codon in MTTP, a gene where loss-of-function variants are known to be pathogenic. Please note: this variant was assessed in the context of healthy population screening.

NM_001386140.1(MTTP):c.734_742delinsAAGA (p.Thr245fs)

Gene: MTTP (microsomal triglyceride transfer protein; plus strand). Cytogenetic location: 4q23.
Variant type: Indel.
Coding change: c.734_742delinsAAGA on transcript NM_001386140.1 (MANE Select); coding-DNA positions 734 to 742, CCATTAAGG replaced by AAGA.
Protein change: p.Thr245fs; shifts the reading frame from threonine 245.
Molecular consequence: frameshift variant.
Genome position (GRCh38, 1-based): chr4:99,591,766-99,591,774, CCATTAAGG replaced by AAGA. VCF-style: chr4-99591766-CCATTAAGG-AAGA. GRCh37 (hg19) VCF-style: chr4-100512923-CCATTAAGG-AAGA.
Other names: c.734_742delinsAAGA, p.Thr245fs (NM_000253.4); c.485_493delinsAAGA, p.Thr162fs (NM_001300785.2); short protein forms T162fs, T245fs.
Identifiers: ClinVar variation 1726425 (VCV001726425.2), dbSNP rs2476107903, ClinGen allele CA2580071894.